The following is an entry in ClinVar:

NM_015158.5(KANK1):c.3912G>A (p.Ala1304=)

Gene: KANK1 (KN motif and ankyrin repeat domains 1; plus strand). Cytogenetic location: 9p24.3.
Variant type: single nucleotide variant.
Coding change: c.3912G>A on transcript NM_015158.5 (MANE Select); coding-DNA position 3912, G replaced by A.
Protein change: p.Ala1304=; no amino-acid change (alanine 1304 retained).
Molecular consequence: synonymous variant. On other transcripts: non-coding transcript variant (1).
Genome position (GRCh38, 1-based): chr9:744,505, G>A. VCF-style: chr9-744505-G-A. GRCh37 (hg19) VCF-style: chr9-744505-G-A.
Other names: c.3912G>A, p.Ala1304= (NM_001256876.3, NM_001256877.3, NM_001354334.2); c.3672G>A, p.Ala1224= (NM_001354331.2); c.3858G>A, p.Ala1286= (NM_001354332.2); c.3438G>A, p.Ala1146= (NM_001354333.2, NM_001354335.2, NM_001354337.2 and 2 more transcripts); c.3144G>A, p.Ala1048= (NM_001354336.2); c.3384G>A, p.Ala1128= (NM_001354338.2, NM_001354340.2, NM_001354344.2); c.3198G>A, p.Ala1066= (NM_001354339.2, NM_001354342.2, NM_001354343.2).
Identifiers: ClinVar variation 717026 (VCV000717026.35), dbSNP rs114114032, ClinGen allele CA4961260.
Genomic context (GRCh38, chr9:744,505, plus strand): 5'-GGTTTGAGAAACCCAACATGGCTTGTTCTTTCCATCTTATCTTAAGGATGGCAGCACTGC[G>A]CTCTCAATCGCCCTGGAAGCAGGACACAAGGACATCGCTGTTCTTCTGTATGCCCATGTC-3'
Protein context (NP_055973.2, residues 1294-1314): GHLEDNDGST[Ala1304=]LSIALEAGHK

ClinVar aggregate classification (germline): Benign/Likely benign. Review status: criteria provided, multiple submitters, no conflicts (2 of 4 stars). 5 submissions from 5 submitters: Benign (1); Likely benign (4). Last evaluated 2026-04-01.

Conditions:
Cerebral palsy, spastic quadriplegic, 2 (CPSQ2). Identifiers: Orphanet 210141, MedGen C2752061, MONDO:0013033, OMIM 612900.

Allele frequency attached by ClinVar (database versions not stated): 1000 Genomes Project 30x 0.00141; 1000 Genomes Project 0.00160; TOPMed 0.00190; ESP Exome Variant Server 0.00284; ExAC 0.00339; gnomAD 0.00354 and 0.00369; gnomAD exomes 0.00365 and 0.00377.
gnomAD v4.1: 5,989 of 1,613,924 alleles (0.37%); highest among the groups gnomAD compares: Non-Finnish European, 0.38%; 29 homozygotes.

Submissions (5):

CeGaT Center for Human Genetics Tuebingen
Classification: Likely benign. Last evaluated: 2026-04-01. Review status: criteria provided, single submitter. Criteria: CeGaT Center For Human Genetics Tuebingen Variant Classification Criteria Version 2. Collection method: clinical testing. Allele origin: germline. Affected: yes. Observed: 18 variant alleles.
Comment: KANK1: BP4, BP7, BS2

Labcorp Genetics (formerly Invitae), Labcorp
Classification: Benign. Last evaluated: 2025-12-24. Review status: criteria provided, single submitter. Criteria: Invitae Variant Classification Sherloc (09022015). Collection method: clinical testing. Allele origin: germline.

Fulgent Genetics
Classification: Likely benign for Cerebral palsy, spastic quadriplegic, 2. Last evaluated: 2021-10-07. Review status: criteria provided, single submitter. Criteria: ACMG Guidelines, 2015. Collection method: clinical testing. Allele origin: unknown.

GeneDx
Classification: Likely benign. Last evaluated: 2021-05-04. Review status: criteria provided, single submitter. Criteria: GeneDx Variant Classification Process June 2021. Collection method: clinical testing. Allele origin: germline. Affected: yes.

Breakthrough Genomics
Classification: Likely benign. Review status: criteria provided, single submitter. Criteria: ACMG Guidelines, 2015. Collection method: not provided. Allele origin: germline. Inheritance: Unknown mechanism. Affected: yes.